The following continues an entry in ClinVar:

NM_007294.4(BRCA1):c.1510C>T (p.Arg504Cys)

Gene: BRCA1. ClinVar aggregate classification (germline): Conflicting classifications of pathogenicity. Uncertain significance (9); Likely benign (2).

Submissions 7 to 15 of 15:

Color Diagnostics, LLC DBA Color Health
Classification: Uncertain significance for Hereditary cancer-predisposing syndrome. Last evaluated: 2024-04-02. Review status: criteria provided, single submitter. Criteria: ACMG Guidelines, 2015. Collection method: clinical testing. Allele origin: germline.
Comment: This missense variant replaces arginine with cysteine at codon 504 of the BRCA1 protein. Computational prediction is inconclusive regarding the impact of this variant on protein structure and function. To our knowledge, functional studies have not been reported for this variant. This variant has been reported in an individual affected with breast cancer and in a suspected hereditary breast and ovarian cancer family (PMID: 28525389, 29310832), and this variant also has been detected in a breast cancer case-control meta-analysis in 1/60466 cases and 1/53461 unaffected individuals (PMID: 33471991; Leiden Open Variation Database DB-ID BRCA1_000154). This variant has been identified in 4/282442 chromosomes in the general population by the Genome Aggregation Database (gnomAD). The available evidence is insufficient to determine the role of this variant in disease conclusively. Therefore, this variant is classified as a Variant of Uncertain Significance.

GeneDx
Classification: Uncertain significance. Last evaluated: 2023-04-24. Review status: criteria provided, single submitter. Criteria: GeneDx Variant Classification Process June 2021. Collection method: clinical testing. Allele origin: germline. Affected: yes.
Comment: Not observed at significant frequency in large population cohorts (gnomAD); In silico analysis supports that this missense variant has a deleterious effect on protein structure/function; Observed in individuals with breast or ovarian cancer (Ronowicz et al., 2015; Dougherty et al., 2017); Published functional studies do not demonstrate a damaging effect (Hovland et al., 2023); Also known as 1629C>T; This variant is associated with the following publications: (PMID: 15385441, 16518693, 12531920, 16267036, 15001988, 29310832, 32377563, 29884841, 15343273, 20104584, 28525389, 26219265, 31911673, 31853058, 36833189)

University of Washington Department of Laboratory Medicine, University of Washington
Classification: Likely benign for Hereditary cancer-predisposing syndrome. Last evaluated: 2023-03-23. Review status: criteria provided, single submitter. Criteria: Dines et al. (Genet Med. 2020). Collection method: curation. Allele origin: germline.
Comment: Missense variant in a coldspot region where missense variants are very unlikely to be pathogenic (PMID:31911673).

BRCA1 coldspot (exon 11 using historical exon numbering). Reclassification based on statistical prior probability

Institute for Clinical Genetics, University Hospital TU Dresden, University Hospital TU Dresden
Classification: Uncertain significance. Last evaluated: 2021-11-03. Review status: criteria provided, single submitter. Criteria: ACMG Guidelines, 2015. Collection method: clinical testing. Allele origin: germline.

Women's Health and Genetics/Laboratory Corporation of America, LabCorp
Classification: Uncertain significance. Last evaluated: 2019-08-30. Review status: criteria provided, single submitter. Criteria: LabCorp Variant Classification Summary - May 2015. Collection method: clinical testing. Allele origin: germline.
Comment: Variant summary: BRCA1 c.1510C>T (p.Arg504Cys) results in a non-conservative amino acid change located in the BRCA1, serine-rich domain of the encoded protein sequence. Four of five in-silico tools predict a damaging effect of the variant on protein function. The variant allele was found at a frequency of 1.2e-05 in 251052 control chromosomes. The available data on variant occurrences in the general population are insufficient to allow any conclusion about variant significance. c.1510C>T has been reported in the literature in individuals affected with or being tested for Hereditary Breast and Ovarian Cancer (Judkins_2005, Ronowicz_2015, Apessos_2018, Dougherty_2017). Co-occurrence with other pathogenic variant has been reported (BRCA2, p.Asn3124Ile), providing supporting evidence for a benign role (Ronowicz_2015). To our knowledge, no experimental evidence demonstrating an impact on protein function has been reported. Five clinical diagnostic laboratories have submitted clinical-significance assessments for this variant to ClinVar after 2014 without evidence for independent evaluation. All laboratories classified the variant as uncertain significance. Based on the evidence outlined above, the variant was classified as uncertain significance.

BRCAlab, Lund University
Classification: Uncertain significance for Breast-ovarian cancer, familial, susceptibility to, 1. Last evaluated: 2020-03-02. Review status: no assertion criteria provided. Collection method: clinical testing. Allele origin: germline. Affected: yes. Not counted in ClinVar's aggregate classification.

Faculty of Pharmacy, Medical University of Gdansk
Classification: Uncertain significance for Familial cancer of breast. Last evaluated: 2014-02-01. Review status: no assertion criteria provided. Criteria: ACMG Guidelines, 2015. Collection method: research. Allele origin: germline. Affected: yes. Not counted in ClinVar's aggregate classification.

Breast Cancer Information Core (BIC) (BRCA1)
Classification: Uncertain significance for Breast-ovarian cancer, familial 1. Last evaluated: 2001-10-29. Review status: no assertion criteria provided. Collection method: clinical testing. Allele origin: germline. Affected: yes. Observed: 1 variant allele. Not counted in ClinVar's aggregate classification.

Department of Pathology and Laboratory Medicine, Sinai Health System
Classification: Uncertain significance for Malignant tumor of breast. Review status: no assertion criteria provided. Collection method: clinical testing. Allele origin: unknown. Affected: yes. Study: The Canadian Open Genetics Repository (COGR). Not counted in ClinVar's aggregate classification.
Comment: The BRCA1 p.Arg504Cys variant was not identified in affected individuals in the literature, but was identified in dbSNP (ID# rs80357445) â€šÃ„Ãºwith untested alleleâ€šÃ„Ã¹, in the Exome Variant Server ESP Project with a frequency of 0.0002 in African American alleles, in BIC 1x as a variant of unknown clinical importance, and in the LOVD database. The p.Arg504 residue is not conserved in mammals and lower organisms, and the variant amino acid (Cys) is present in cow, increasing the likelihood this is a benign variant. Computational analyses (PolyPhen2, SIFT, AlignGVGD) provide inconsistent predictions regarding the impact to the protein and this information is not very predictive of pathogenicity. Two in silico evolutionary conservation studies suggest that the variant affects protein function (Fleming 2003, Ramirez 2004), while another similar study yielded inconclusive results (Burk-Herrick 2006). Additionally, the authors of these three studies note that the variant may confer oncogenic risk as it occurs within one of the BRCA1 nuclear localization sites. The variant occurs outside of the splicing consensus sequence and in-silico or computational prediction software (SpliceSiteFinder, MaxEntScan, NNSPLICE, GeneSplicer, HumanSpliceFinder) does not predict a difference in splicing. In summary, the clinical significance of this variant cannot be determined with certainty at this time. Therefore this variant is a variant of unknown significance (VUS).

Literature cited by the submitters: PubMed 26219265 (cited by 3 submitters); PubMed 28525389 (cited by 5 submitters); PubMed 36833189 (cited by Labcorp Genetics (formerly Invitae), Labcorp and Quest Diagnostics Nichols Institute San Juan Capistrano); PubMed 29310832 (cited by 5 submitters); PubMed 34981296 (cited by Quest Diagnostics Nichols Institute San Juan Capistrano); PubMed 31911673 (cited by Quest Diagnostics Nichols Institute San Juan Capistrano); PubMed 15001988 (cited by Quest Diagnostics Nichols Institute San Juan Capistrano and Women's Health and Genetics/Laboratory Corporation of America, LabCorp); PubMed 12531920 (cited by Quest Diagnostics Nichols Institute San Juan Capistrano and Women's Health and Genetics/Laboratory Corporation of America, LabCorp); PubMed 16518693 (cited by Quest Diagnostics Nichols Institute San Juan Capistrano and Women's Health and Genetics/Laboratory Corporation of America, LabCorp); PubMed 33471991 (cited by All of Us Research Program, National Institutes of Health and Color Diagnostics, LLC DBA Color Health); PubMed 16267036 (cited by Women's Health and Genetics/Laboratory Corporation of America, LabCorp); PubMed 15385441 (cited by Women's Health and Genetics/Laboratory Corporation of America, LabCorp).